The following is an entry in ClinVar:

ClinVar aggregate classification (germline): Uncertain significance. Review status: criteria provided, multiple submitters, no conflicts (2 of 4 stars). 5 submissions from 5 submitters: Uncertain significance (5). Last evaluated 2025-10-15.

Conditions:
Glycogen storage disease IXb (GSD9B). Also called: PHOSPHORYLASE KINASE DEFICIENCY OF LIVER AND MUSCLE, AUTOSOMAL RECESSIVE; GLYCOGENOSIS OF LIVER AND MUSCLE, AUTOSOMAL RECESSIVE; GSD IXb. Identifiers: Orphanet 79240, MedGen C0543514, MONDO:0009868, OMIM 261750.
Inborn genetic diseases. Identifiers: MedGen C0950123, MeSH D030342.

Allele frequency attached by ClinVar (database versions not stated): TOPMed 0.00005; gnomAD 0.00007 and 0.00008; ExAC 0.00011; gnomAD exomes 0.00011; ESP Exome Variant Server 0.00015.
gnomAD v4.1: 152 of 1,613,962 alleles (0.0094%); highest among the groups gnomAD compares: South Asian, 0.029%; no homozygotes.

Submissions (5):

Mayo Clinic Laboratories, Mayo Clinic
Classification: Uncertain significance. Last evaluated: 2025-10-15. Review status: criteria provided, single submitter. Criteria: ACMG Guidelines, 2015. Collection method: clinical testing. Allele origin: germline. Observed: 1 variant allele.
Comment: PM2_supporting

Ambry Genetics
Classification: Uncertain significance for Inborn genetic diseases. Last evaluated: 2023-09-25. Review status: criteria provided, single submitter. Criteria: Ambry Variant Classification Scheme 2023. Collection method: clinical testing. Allele origin: germline.

Labcorp Genetics (formerly Invitae), Labcorp
Classification: Uncertain significance for Glycogen storage disease IXb. Last evaluated: 2022-07-14. Review status: criteria provided, single submitter. Criteria: Invitae Variant Classification Sherloc (09022015). Collection method: clinical testing. Allele origin: germline.
Comment: This sequence change replaces lysine, which is basic and polar, with methionine, which is neutral and non-polar, at codon 961 of the PHKB protein (p.Lys961Met). This variant is present in population databases (rs371541668, gnomAD 0.03%). This variant has not been reported in the literature in individuals affected with PHKB-related conditions. ClinVar contains an entry for this variant (Variation ID: 598147). Algorithms developed to predict the effect of missense changes on protein structure and function are either unavailable or do not agree on the potential impact of this missense change (SIFT: "Deleterious"; PolyPhen-2: "Benign"; Align-GVGD: "Class C0"). In summary, the available evidence is currently insufficient to determine the role of this variant in disease. Therefore, it has been classified as a Variant of Uncertain Significance.

GeneDx
Classification: Uncertain significance. Last evaluated: 2020-03-07. Review status: criteria provided, single submitter. Criteria: GeneDx Variant Classification Process June 2021. Collection method: clinical testing. Allele origin: germline. Affected: yes.
Comment: In silico analysis supports that this missense variant has a deleterious effect on protein structure/function; Has not been previously published as pathogenic or benign to our knowledge

Eurofins Ntd Llc (ga)
Classification: Uncertain significance. Last evaluated: 2018-08-01. Review status: criteria provided, single submitter. Criteria: EGL ClinVar v180209 classification definitions. Collection method: clinical testing. Allele origin: germline. Observed: 1 variant allele, 1 heterozygote.

NM_000293.3(PHKB):c.2882A>T (p.Lys961Met)

Gene: PHKB (phosphorylase kinase regulatory subunit beta; plus strand). Cytogenetic location: 16q12.1.
Variant type: single nucleotide variant.
Coding change: c.2882A>T on transcript NM_000293.3 (MANE Select); coding-DNA position 2882, A replaced by T.
Protein change: p.Lys961Met; replaces lysine 961 with methionine.
Molecular consequence: missense variant.
Genome position (GRCh38, 1-based): chr16:47,693,494, A>T. VCF-style: chr16-47693494-A-T. GRCh37 (hg19) VCF-style: chr16-47727405-A-T.
Other names: p.Lys961Met; c.2861A>T, p.Lys954Met (NM_001031835.3); c.2882A>T, p.Lys961Met (NM_001363837.1); short protein forms K961M, K954M.
Identifiers: ClinVar variation 598147 (VCV000598147.14), dbSNP rs371541668, ClinGen allele CA8041356.